The following is an entry in ClinVar:

NM_030662.4(MAP2K2):c.228A>C (p.Ser76=)

Gene: MAP2K2 (mitogen-activated protein kinase kinase 2; minus strand). Cytogenetic location: 19p13.3.
Variant type: single nucleotide variant.
Coding change: c.228A>C on transcript NM_030662.4 (MANE Select); coding-DNA position 228, A replaced by C.
Protein change: p.Ser76=; no amino-acid change (serine 76 retained).
Molecular consequence: synonymous variant.
Genome position (GRCh38, 1-based): chr19:4,117,494, T>G on the plus strand (A>C on the coding strand, the complement: MAP2K2 is on the minus strand). VCF-style: chr19-4117494-T-G. GRCh37 (hg19) VCF-style: chr19-4117492-T-G.
Identifiers: ClinVar variation 746650 (VCV000746650.27), dbSNP rs1599307213, ClinGen allele CA505162490.

ClinVar aggregate classification (germline): Likely benign. Review status: criteria provided, multiple submitters, no conflicts (2 of 4 stars). 2 submissions from 2 submitters: Likely benign (2). Last evaluated 2022-11-01.

Submissions (2):

CeGaT Center for Human Genetics Tuebingen
Classification: Likely benign. Last evaluated: 2022-11-01. Review status: criteria provided, single submitter. Criteria: CeGaT Center For Human Genetics Tuebingen Variant Classification Criteria Version 2. Collection method: clinical testing. Allele origin: germline. Affected: yes. Observed: 1 variant allele.
Comment: MAP2K2: PM2:Supporting, BP4, BP7

Labcorp Genetics (formerly Invitae), Labcorp
Classification: Likely benign. Last evaluated: 2018-08-16. Review status: criteria provided, single submitter. Criteria: Invitae Variant Classification Sherloc (09022015). Collection method: clinical testing. Allele origin: germline.